The following is an entry in ClinVar:

ClinVar aggregate classification (germline): Conflicting classifications of pathogenicity. Review status: criteria provided, conflicting classifications (1 of 4 stars). 2 submissions from 2 submitters: Uncertain significance (1); Likely benign (1). Last evaluated 2026-06-01.

Allele frequency attached by ClinVar (database versions not stated): ExAC 0.00002; gnomAD exomes 0.00006 and 0.00007; TOPMed 0.00007; ESP Exome Variant Server 0.00009; gnomAD 0.00011 and 0.00012.
gnomAD v4.1: 85 of 1,196,337 alleles (0.0071%); highest among the groups gnomAD compares: Admixed American, 0.0087%; no homozygotes.

Submissions (2):

CeGaT Center for Human Genetics Tuebingen
Classification: Likely benign. Last evaluated: 2026-06-01. Review status: criteria provided, single submitter. Criteria: CeGaT Center For Human Genetics Tuebingen Variant Classification Criteria Version 2. Collection method: clinical testing. Allele origin: germline. Affected: yes. Observed: 1 variant allele.
Comment: SLC9A6: BS2

Genetic Services Laboratory, University of Chicago
Classification: Uncertain significance. Last evaluated: 2016-08-04. Review status: criteria provided, single submitter. Criteria: ACMG Guidelines, 2015. Collection method: clinical testing. Allele origin: germline. Affected: no.

NM_001379110.1(SLC9A6):c.338A>G (p.Asn113Ser)

Gene: SLC9A6 (solute carrier family 9 member A6; plus strand). Cytogenetic location: Xq26.3.
Variant type: single nucleotide variant.
Coding change: c.338A>G on transcript NM_001379110.1 (MANE Select); coding-DNA position 338, A replaced by G.
Protein change: p.Asn113Ser; replaces asparagine 113 with serine.
Molecular consequence: missense variant. On other transcripts: intron variant (2).
Genome position (GRCh38, 1-based): chrX:135,994,954, A>G. VCF-style: chrX-135994954-A-G. GRCh37 (hg19) VCF-style: chrX-135077113-A-G.
Other names: c.494A>G, p.Asn165Ser (NM_001042537.2); c.338A>G, p.Asn113Ser (NM_001177651.2); c.429+65A>G (NM_006359.3); c.273+65A>G (NM_001330652.2); short protein forms N165S, N113S.
Identifiers: ClinVar variation 207237 (VCV000207237.8), dbSNP rs377126261, ClinGen allele CA318513.